The following is an entry in ClinVar:

NM_015338.6(ASXL1):c.1733G>T (p.Arg578Leu)

Gene: ASXL1 (ASXL transcriptional regulator 1; plus strand). Cytogenetic location: 20q11.21.
Variant type: single nucleotide variant.
Coding change: c.1733G>T on transcript NM_015338.6 (MANE Select); coding-DNA position 1733, G replaced by T.
Protein change: p.Arg578Leu; replaces arginine 578 with leucine.
Molecular consequence: missense variant.
Genome position (GRCh38, 1-based): chr20:32,434,445, G>T. VCF-style: chr20-32434445-G-T. GRCh37 (hg19) VCF-style: chr20-31022248-G-T.
Other names: c.1550G>T, p.Arg517Leu (NM_001363734.1); short protein forms R517L, R578L.
Identifiers: ClinVar variation 3793591 (VCV003793591.1).

ClinVar aggregate classification (germline): Uncertain significance (1 of 4 stars; one submission).

Conditions:
Inborn genetic diseases. Identifiers: MedGen C0950123, MeSH D030342.

Submission:

Ambry Genetics
Classification: Uncertain significance for Inborn genetic diseases. Last evaluated: 2025-02-16. Review status: criteria provided, single submitter. Criteria: Ambry Variant Classification Scheme 2023. Collection method: clinical testing. Allele origin: germline.
Comment: The p.R578L variant (also known as c.1733G>T), located in coding exon 13 of the ASXL1 gene, results from a G to T substitution at nucleotide position 1733. The arginine at codon 578 is replaced by leucine, an amino acid with dissimilar properties. This amino acid position is conserved. In addition, the in silico prediction for this alteration is inconclusive. Based on the available evidence, the clinical significance of this variant remains unclear.